The following is an entry in ClinVar:

ClinVar aggregate classification (germline): Pathogenic (1 of 4 stars; one submission).

Conditions:
Alkaptonuria (AKU). Also called: Homogentisic acidura; Alkaptonuric ochronosis; Alcaptonuria; HOMOGENTISIC ACID OXIDASE DEFICIENCY. Identifiers: Orphanet 56, MedGen C0002066, MONDO:0008753, OMIM 203500.

Submission:

Labcorp Genetics (formerly Invitae), Labcorp
Classification: Pathogenic for Alkaptonuria. Last evaluated: 2022-03-13. Review status: criteria provided, single submitter. Criteria: Invitae Variant Classification Sherloc (09022015). Collection method: clinical testing. Allele origin: germline.
Comment: This sequence change creates a premature translational stop signal (p.Arg145Asnfs*11) in the HGD gene. It is expected to result in an absent or disrupted protein product. Loss-of-function variants in HGD are known to be pathogenic (PMID: 12501223, 19862842). This variant is not present in population databases (gnomAD no frequency). This variant has not been reported in the literature in individuals affected with HGD-related conditions. This variant is also known as c.434+1del. For these reasons, this variant has been classified as Pathogenic.

Literature cited by the submitters: PubMed 12501223; PubMed 19862842.

NM_000187.4(HGD):c.434+1del

Gene: HGD (homogentisate 1,2-dioxygenase; minus strand). Cytogenetic location: 3q13.33.
Variant type: Deletion.
Coding change: c.434+1del on transcript NM_000187.4 (MANE Select); the canonical splice donor site of the intron after coding-DNA position 434, one base deleted (G; older notation c.434+1delG).
Molecular consequence: splice donor variant.
Genome position (GRCh38, 1-based): chr3:120,650,773, C deleted on the plus strand (G on the coding strand, the reverse complement: HGD is on the minus strand); the first of 2 consecutive C bases (chr3:120,650,773-120,650,774); deleting either gives the same sequence. VCF-style (leftmost placement, unchanged base first): chr3-120650772-AC-A. GRCh37 (hg19) VCF-style: chr3-120369619-AC-A.
Identifiers: ClinVar variation 2110947 (VCV002110947.4), dbSNP rs2472716117, ClinGen allele CA2580068607.